The following is an entry in ClinVar:

ClinVar aggregate classification (germline): Uncertain significance (1 of 4 stars; one submission).

Conditions:
Alagille syndrome due to a JAG1 point mutation. Also called: HEPATIC DUCTULAR HYPOPLASIA, SYNDROMATIC; Alagille Syndrome 1; JAG1-Related Alagille Syndrome. Identifiers: Orphanet 261619, Orphanet 52, MedGen C1956125, MONDO:0016862, OMIM 118450.

Submission:

Labcorp Genetics (formerly Invitae), Labcorp
Classification: Uncertain significance for Alagille syndrome due to a JAG1 point mutation. Last evaluated: 2024-04-10. Review status: criteria provided, single submitter. Criteria: Invitae Variant Classification Sherloc (09022015). Collection method: clinical testing. Allele origin: germline.
Comment: This sequence change replaces glutamic acid, which is acidic and polar, with lysine, which is basic and polar, at codon 1117 of the JAG1 protein (p.Glu1117Lys). This variant is not present in population databases (gnomAD no frequency). This variant has not been reported in the literature in individuals affected with JAG1-related conditions. Advanced modeling of protein sequence and biophysical properties (such as structural, functional, and spatial information, amino acid conservation, physicochemical variation, residue mobility, and thermodynamic stability) has been performed at Invitae for this missense variant, however the output from this modeling did not meet the statistical confidence thresholds required to predict the impact of this variant on JAG1 protein function. In summary, the available evidence is currently insufficient to determine the role of this variant in disease. Therefore, it has been classified as a Variant of Uncertain Significance.

NM_000214.3(JAG1):c.3349G>A (p.Glu1117Lys)

Gene: JAG1 (jagged canonical Notch ligand 1; minus strand). Cytogenetic location: 20p12.2.
Variant type: single nucleotide variant.
Coding change: c.3349G>A on transcript NM_000214.3 (MANE Select); coding-DNA position 3349, G replaced by A.
Protein change: p.Glu1117Lys; replaces glutamic acid 1117 with lysine.
Molecular consequence: missense variant.
Genome position (GRCh38, 1-based): chr20:10,639,806, C>T on the plus strand (G>A on the coding strand, the complement: JAG1 is on the minus strand). VCF-style: chr20-10639806-C-T. GRCh37 (hg19) VCF-style: chr20-10620454-C-T.
Other names: short protein forms E1117K.
Identifiers: ClinVar variation 3705818 (VCV003705818.2).